The following is an entry in ClinVar:

ClinVar aggregate classification (germline): Uncertain significance (1 of 4 stars; one submission).

Conditions:
Hereditary cancer-predisposing syndrome. Also called: Neoplastic Syndromes, Hereditary; Tumor predisposition; Hereditary neoplastic syndrome; Hereditary Cancer Syndrome. Identifiers: Orphanet 140162, MedGen C0027672, MeSH D009386, MONDO:0015356.

Submission:

Ambry Genetics
Classification: Uncertain significance for Hereditary cancer-predisposing syndrome. Last evaluated: 2025-07-01. Review status: criteria provided, single submitter. Criteria: Ambry Variant Classification Scheme 2023. Collection method: clinical testing. Allele origin: germline.
Comment: The c.60G>A variant (also known as p.V20V), located in coding exon 1 of the CDKN2A (p14ARF) gene, results from a G to A substitution at nucleotide position 60. This nucleotide substitution does not change the amino acid at codon 20. This nucleotide position is well conserved in available vertebrate species. In silico splice site analysis predicts that this alteration may result in the creation or strengthening of a novel splice donor site. Based on the available evidence, the clinical significance of this variant remains unclear.

NM_058195.4(CDKN2A):c.60G>A (p.Val20=)

Gene: CDKN2A (cyclin dependent kinase inhibitor 2A; minus strand). Cytogenetic location: 9p21.3.
Variant type: single nucleotide variant.
Coding change: c.60G>A on transcript NM_058195.4 (MANE Plus Clinical); coding-DNA position 60, G replaced by A.
Protein change: p.Val20=; no amino-acid change (valine 20 retained).
Molecular consequence: synonymous variant. On other transcripts: intron variant (1).
Genome position (GRCh38, 1-based): chr9:21,994,272, C>T on the plus strand (G>A on the coding strand, the complement: CDKN2A is on the minus strand). VCF-style: chr9-21994272-C-T. GRCh37 (hg19) VCF-style: chr9-21994271-C-T.
Other names: c.-4+549G>A (NM_001363763.2).
Identifiers: ClinVar variation 4224768 (VCV004224768.1).
Genomic context (GRCh38, chr9:21,994,272, plus strand): 5'-GGGCGCCCCTGGCGCTGCCCACTCCCCCGTGAGCCGCGGGATGTGAACCACGAAAACCCT[C>T]ACTCGCGGCGGGCCGCACGCGCGCCGAATCCGGAGGGTCACCAAGAACCTGCGCACCATG-3'
Protein context (NP_478102.2, residues 10-30): RIRRACGPPR[Val20=]RVFVVHIPRL